The following is an entry in ClinVar:

ClinVar aggregate classification (germline): Uncertain significance (1 of 4 stars; one submission).

Conditions:
Familial thoracic aortic aneurysm and aortic dissection (TAAD). Also called: Thoracic aortic aneurysms and dissections. Identifiers: Orphanet 91387, MedGen C4707243, MONDO:0019625.

Submission:

Ambry Genetics
Classification: Uncertain significance for Familial thoracic aortic aneurysm and aortic dissection. Last evaluated: 2023-05-30. Review status: criteria provided, single submitter. Criteria: Ambry Variant Classification Scheme 2023. Collection method: clinical testing. Allele origin: germline.
Comment: The p.R216P variant (also known as c.647G>C), located in coding exon 1 of the SKI gene, results from a G to C substitution at nucleotide position 647. The arginine at codon 216 is replaced by proline, an amino acid with dissimilar properties. This amino acid position is conserved. In addition, the in silico prediction for this alteration is inconclusive. Since supporting evidence is limited at this time, the clinical significance of this alteration remains unclear.

NM_003036.4(SKI):c.647G>C (p.Arg216Pro)

Gene: SKI (SKI proto-oncogene; plus strand). Cytogenetic location: 1p36.33.
Variant type: single nucleotide variant.
Coding change: c.647G>C on transcript NM_003036.4 (MANE Select); coding-DNA position 647, G replaced by C.
Protein change: p.Arg216Pro; replaces arginine 216 with proline.
Molecular consequence: missense variant.
Genome position (GRCh38, 1-based): chr1:2,229,413, G>C. VCF-style: chr1-2229413-G-C. GRCh37 (hg19) VCF-style: chr1-2160852-G-C.
Other names: short protein forms R216P.
Identifiers: ClinVar variation 2566894 (VCV002566894.2), dbSNP rs1399726894, ClinGen allele CA337954490.